The following is an entry in ClinVar:

ClinVar aggregate classification (germline): Likely benign. Review status: criteria provided, multiple submitters, no conflicts (2 of 4 stars). 4 submissions from 4 submitters: Likely benign (3). 1 of the submissions does not count toward it. Last evaluated 2025-12-06.

Conditions:
Autosomal recessive limb-girdle muscular dystrophy type 2Q (LGMDR17). Also called: MUSCULAR DYSTROPHY, LIMB-GIRDLE, AUTOSOMAL RECESSIVE 17. Identifiers: Orphanet 254361, MedGen C3150989, MONDO:0013390, OMIM 613723.
Epidermolysis bullosa simplex 5C, with pyloric atresia (EBS5C). Also called: PLEC1-Related Epidermolysis Bullosa with Pyloric Atresia; PLEC-Related Epidermolysis Bullosa with Pyloric Atresia; Epidermolysis bullosa simplex with pyloric atresia. Identifiers: Orphanet 158684, MedGen C2677349, MONDO:0012807, OMIM 612138.
Epidermolysis bullosa simplex with nail dystrophy (EBS5D). Identifiers: MedGen C4225309, MONDO:0014661, OMIM 616487.
Epidermolysis bullosa simplex, Ogna type (EBS5A). Also called: Pidermolysis bullosa simplex 5A, Ogna type; EPIDERMOLYSIS BULLOSA SIMPLEX 5A, OGNA TYPE. Identifiers: Orphanet 79401, MedGen C0432317, MONDO:0007555, OMIM 131950.
Epidermolysis bullosa simplex 5B, with muscular dystrophy (EBS5B). Also called: Epidermolysis bullosa simplex with muscular dystrophy; EPIDERMOLYSIS BULLOSA SIMPLEX AND LIMB-GIRDLE MUSCULAR DYSTROPHY. Identifiers: Orphanet 257, MedGen C2931072, MONDO:0009181, OMIM 226670.
PLEC-related disorder. Also called: PLEC-related disorders; PLEC-related condition.

Allele frequency attached by ClinVar (database versions not stated): ExAC 0.00003; gnomAD exomes 0.00004 and 0.00005; gnomAD 0.00015 and 0.00017; TOPMed 0.00016.
gnomAD v4.1: 84 of 1,607,472 alleles (0.0052%); highest among the groups gnomAD compares: African/African-American, 0.065%; 1 homozygote.

Submissions (4):

Labcorp Genetics (formerly Invitae), Labcorp
Classification: Likely benign for Autosomal recessive limb-girdle muscular dystrophy type 2Q; Epidermolysis bullosa simplex, Ogna type; Epidermolysis bullosa simplex with nail dystrophy; Epidermolysis bullosa simplex 5C, with pyloric atresia; Epidermolysis bullosa simplex 5B, with muscular dystrophy. Last evaluated: 2025-12-06. Review status: criteria provided, single submitter. Criteria: Invitae Variant Classification Sherloc (09022015). Collection method: clinical testing. Allele origin: germline.

Blueprint Genetics
Classification: Likely benign. Last evaluated: 2024-01-29. Review status: criteria provided, single submitter. Criteria: ACMG Guidelines, 2015. Collection method: clinical testing. Allele origin: germline.

GeneDx
Classification: Likely benign. Last evaluated: 2016-10-31. Review status: criteria provided, single submitter. Criteria: GeneDx Variant Classification (06012015). Collection method: clinical testing. Allele origin: germline. Affected: yes.
Comment: This variant is considered likely benign or benign based on one or more of the following criteria: it is a conservative change, it occurs at a poorly conserved position in the protein, it is predicted to be benign by multiple in silico algorithms, and/or has population frequency not consistent with disease.

PreventionGenetics, part of Exact Sciences
Classification: Likely benign for PLEC-related condition. Last evaluated: 2019-09-17. Review status: no assertion criteria provided. Collection method: clinical testing. Allele origin: germline. Not counted in ClinVar's aggregate classification.
Comment: This variant is classified as likely benign based on ACMG/AMP sequence variant interpretation guidelines (Richards et al. 2015 PMID: 25741868, with internal and published modifications).

NM_201384.3(PLEC):c.9027C>T (p.Asp3009=)

Gene: PLEC (plectin; minus strand). Cytogenetic location: 8q24.3.
Variant type: single nucleotide variant.
Coding change: c.9027C>T on transcript NM_201384.3 (MANE Select); coding-DNA position 9027, C replaced by T.
Protein change: p.Asp3009=; no amino-acid change (aspartic acid 3009 retained).
Molecular consequence: synonymous variant.
Genome position (GRCh38, 1-based): chr8:143,920,794, G>A on the plus strand (C>T on the coding strand, the complement: PLEC is on the minus strand). VCF-style: chr8-143920794-G-A. GRCh37 (hg19) VCF-style: chr8-144994962-G-A.
Other names: c.9108C>T, p.Asp3036= (NM_000445.5); c.8985C>T, p.Asp2995= (NM_201378.4); c.8961C>T, p.Asp2987= (NM_201379.3); c.9438C>T, p.Asp3146= (NM_201380.4); c.8931C>T, p.Asp2977= (NM_201381.3); c.9027C>T, p.Asp3009= (NM_201382.4); c.9039C>T, p.Asp3013= (NM_201383.3).
Identifiers: ClinVar variation 390043 (VCV000390043.16), dbSNP rs782802729, ClinGen allele CA4925104.